The following is an entry in ClinVar:

ClinVar aggregate classification (germline): Uncertain significance (1 of 4 stars; one submission).

Submission:

Women's Health and Genetics/Laboratory Corporation of America, LabCorp
Classification: Uncertain significance. Last evaluated: 2025-07-28. Review status: criteria provided, single submitter. Criteria: LabCorp Variant Classification Summary - May 2015. Collection method: clinical testing. Allele origin: germline.
Comment: Variant summary: HSPD1 c.702T>C (p.Gly234Gly) alters a non-conserved nucleotide located close to a canonical splice site and therefore could affect mRNA splicing, leading to a significantly altered protein sequence. Consensus agreement among computation tools predict no significant impact on normal splicing. However, these predictions have yet to be confirmed by functional studies. The variant was absent in 249862 control chromosomes. The available data on variant occurrences in the general population are insufficient to allow any conclusion about variant significance. To our knowledge, no occurrence of c.702T>C in individuals affected with HSPD1-Related Disorders and no experimental evidence demonstrating its impact on protein function have been reported. No submitters have cited clinical-significance assessments for this variant to ClinVar. Based on the evidence outlined above, the variant was classified as uncertain significance.

NM_002156.5(HSPD1):c.702T>C (p.Gly234=)

Gene: HSPD1 (heat shock protein family D (Hsp60) member 1; minus strand). Cytogenetic location: 2q33.1.
Variant type: single nucleotide variant.
Coding change: c.702T>C on transcript NM_002156.5 (MANE Select); coding-DNA position 702, T replaced by C.
Protein change: p.Gly234=; no amino-acid change (glycine 234 retained).
Molecular consequence: synonymous variant.
Genome position (GRCh38, 1-based): chr2:197,493,491, A>G on the plus strand (T>C on the coding strand, the complement: HSPD1 is on the minus strand). VCF-style: chr2-197493491-A-G. GRCh37 (hg19) VCF-style: chr2-198358215-A-G.
Other names: c.702T>C, p.Gly234= (NM_199440.2).
Identifiers: ClinVar variation 4526160 (VCV004526160.1).